The following is an entry in ClinVar:

ClinVar aggregate classification (germline): Pathogenic/Likely pathogenic. Review status: criteria provided, multiple submitters, no conflicts (2 of 4 stars). 4 submissions from 4 submitters: Pathogenic (2); Likely pathogenic (1). 1 of the submissions does not count toward it. Last evaluated 2024-10-28.

Conditions:
Cardiovascular phenotype. Identifiers: MedGen CN230736.
Hypertrophic cardiomyopathy. Also called: HYPERTROPHIC MYOCARDIOPATHY. Identifiers: Orphanet 217569, MedGen C0007194, MeSH D002312, MONDO:0005045, HP:0001639.

Submissions (4):

GeneDx
Classification: Pathogenic. Last evaluated: 2024-10-28. Review status: criteria provided, single submitter. Criteria: GeneDx Variant Classification Process June 2021. Collection method: clinical testing. Allele origin: germline. Affected: yes.
Comment: Identified in patients with hypertrophic cardiomyopathy (PMID: 25611685, 27600940); Not observed at significant frequency in large population cohorts (gnomAD); Canonical splice site variant predicted to result in a null allele in a gene for which loss-of-function is a known mechanism of disease; This variant is associated with the following publications: (PMID: 27532257, 27600940, 37652022, 25611685)

Ambry Genetics
Classification: Pathogenic for Cardiovascular phenotype. Last evaluated: 2023-02-22. Review status: criteria provided, single submitter. Criteria: Ambry Variant Classification Scheme 2023. Collection method: clinical testing. Allele origin: germline.
Comment: The c.2906-2A>G intronic pathogenic mutation results from an A to G substitution two nucleotides before coding exon 28 in the MYBPC3 gene. This alteration has been reported in association with hypertrophic cardiomyopathy (HCM) (Alfares AA et al. Genet. Med., 2015 Nov;17:880-8; Cecconi M et al. Int. J. Mol. Med., 2016 Oct;38:1111-24; Walsh R et al. Genet. Med., 2017 02;19:192-203). This variant is considered to be rare based on population cohorts in the Genome Aggregation Database (gnomAD). In silico splice site analysis predicts that this alteration will weaken the native splice acceptor site. In addition to the clinical data presented in the literature, alterations that disrupt the canonical splice site are expected to cause aberrant splicing, resulting in an abnormal protein or a transcript that is subject to nonsense-mediated mRNA decay. As such, this alteration is classified as a disease-causing mutation.

Labcorp Genetics (formerly Invitae), Labcorp
Classification: Likely pathogenic for Hypertrophic cardiomyopathy. Last evaluated: 2023-01-28. Review status: criteria provided, single submitter. Criteria: Invitae Variant Classification Sherloc (09022015). Collection method: clinical testing. Allele origin: germline.
Comment: In summary, the currently available evidence indicates that the variant is pathogenic, but additional data are needed to prove that conclusively. Therefore, this variant has been classified as Likely Pathogenic. Algorithms developed to predict the effect of sequence changes on RNA splicing suggest that this variant may disrupt the consensus splice site. ClinVar contains an entry for this variant (Variation ID: 177811). Disruption of this splice site has been observed in individual(s) with hypertrophic cardiomyopathy (PMID: 25611685, 27532257, 27600940). This variant is not present in population databases (gnomAD no frequency). This sequence change affects an acceptor splice site in intron 27 of the MYBPC3 gene. It is expected to disrupt RNA splicing. Variants that disrupt the donor or acceptor splice site typically lead to a loss of protein function (PMID: 16199547), and loss-of-function variants in MYBPC3 are known to be pathogenic (PMID: 19574547).

Laboratory for Molecular Medicine, Mass General Brigham Personalized Medicine
Classification: Pathogenic for Hypertrophic cardiomyopathy. Last evaluated: 2013-03-04. Review status: no assertion criteria provided. Collection method: clinical testing. Allele origin: germline. Inheritance: Autosomal dominant inheritance. Observed: 1 variant allele. Not counted in ClinVar's aggregate classification.
Comment: proposed classification - variant undergoing re-assessment, contact laboratory

Literature cited by the submitters: PubMed 25611685 (cited by Ambry Genetics and Labcorp Genetics (formerly Invitae), Labcorp); PubMed 27532257 (cited by Ambry Genetics and Labcorp Genetics (formerly Invitae), Labcorp); PubMed 27600940 (cited by Ambry Genetics and Labcorp Genetics (formerly Invitae), Labcorp); PubMed 16199547 (cited by Labcorp Genetics (formerly Invitae), Labcorp); PubMed 19574547 (cited by Labcorp Genetics (formerly Invitae), Labcorp).

NM_000256.3(MYBPC3):c.2906-2A>G

Gene: MYBPC3 (myosin binding protein C3; minus strand). Cytogenetic location: 11p11.2.
Variant type: single nucleotide variant.
Coding change: c.2906-2A>G on transcript NM_000256.3 (MANE Select); the canonical splice acceptor site of the intron before coding-DNA position 2906, A replaced by G.
Molecular consequence: splice acceptor variant.
Genome position (GRCh38, 1-based): chr11:47,334,012, T>C on the plus strand (A>G on the coding strand, the complement: MYBPC3 is on the minus strand). VCF-style: chr11-47334012-T-C. GRCh37 (hg19) VCF-style: chr11-47355563-T-C.
Identifiers: ClinVar variation 177811 (VCV000177811.20), dbSNP rs727504333, ClinGen allele CA013161.